The following is an entry in ClinVar:

NM_004415.4(DSP):c.7699G>A (p.Val2567Ile)

Gene: DSP (desmoplakin; plus strand). Cytogenetic location: 6p24.3.
Variant type: single nucleotide variant.
Coding change: c.7699G>A on transcript NM_004415.4 (MANE Select); coding-DNA position 7699, G replaced by A.
Protein change: p.Val2567Ile; replaces valine 2567 with isoleucine.
Molecular consequence: missense variant.
Genome position (GRCh38, 1-based): chr6:7,584,961, G>A. VCF-style: chr6-7584961-G-A. GRCh37 (hg19) VCF-style: chr6-7585194-G-A.
Other names: c.5902G>A, p.Val1968Ile (NM_001008844.3); c.6370G>A, p.Val2124Ile (NM_001319034.2); short protein forms V1968I, V2124I, V2567I.
Identifiers: ClinVar variation 3748088 (VCV003748088.2).
Genomic context (GRCh38, chr6:7,584,961, plus strand): 5'-TACCGATCCGGCAGCCTCAGCCTCACTCAATTTGCTGACATGATCTCCTTGAAAAATGGT[G>A]TCGGCACCAGCAGCAGCATGGGCAGTGGTGTCAGCGATGATGTTTTTAGCAGCTCCCGAC-3'
Protein context (NP_004406.2, residues 2557-2577): FADMISLKNG[Val2567Ile]GTSSSMGSGV

ClinVar aggregate classification (germline): Uncertain significance (1 of 4 stars; one submission).

Conditions:
Arrhythmogenic cardiomyopathy with wooly hair and keratoderma. Also called: PALMOPLANTAR KERATODERMA WITH LEFT VENTRICULAR CARDIOMYOPATHY AND WOOLLY HAIR; Dilated cardiomyopathy with woolly hair and keratoderma; Carvajal syndrome; Arrhythmogenic cardiomyopathy with woolly hair and keratoderma. Identifiers: Orphanet 65282, MedGen C1854063, MONDO:0011581, OMIM 605676.
Arrhythmogenic right ventricular dysplasia 8 (ARVD8). Also called: Arrhythmogenic Right Ventricular Dysplasia/Cardiomyopathy 8; ARRHYTHMOGENIC RIGHT VENTRICULAR DYSPLASIA, FAMILIAL, 8; ARRHYTHMOGENIC RIGHT VENTRICULAR CARDIOMYOPATHY 8. Identifiers: MedGen C1843896, MONDO:0011831, OMIM 607450.

gnomAD v4.1: 1 of 1,614,180 alleles (0.000062%); highest among the groups gnomAD compares: Non-Finnish European, 0.000085%; no homozygotes.

Submission:

Labcorp Genetics (formerly Invitae), Labcorp
Classification: Uncertain significance for Arrhythmogenic cardiomyopathy with wooly hair and keratoderma; Arrhythmogenic right ventricular dysplasia 8. Last evaluated: 2024-04-13. Review status: criteria provided, single submitter. Criteria: Invitae Variant Classification Sherloc (09022015). Collection method: clinical testing. Allele origin: germline.
Comment: This sequence change replaces valine, which is neutral and non-polar, with isoleucine, which is neutral and non-polar, at codon 2567 of the DSP protein (p.Val2567Ile). This variant is not present in population databases (gnomAD no frequency). This variant has not been reported in the literature in individuals affected with DSP-related conditions. Algorithms developed to predict the effect of missense changes on protein structure and function output the following: SIFT: "Not Available"; PolyPhen-2: "Benign"; Align-GVGD: "Not Available". The isoleucine amino acid residue is found in multiple mammalian species, which suggests that this missense change does not adversely affect protein function. In summary, the available evidence is currently insufficient to determine the role of this variant in disease. Therefore, it has been classified as a Variant of Uncertain Significance.